The following is an entry in ClinVar:

ClinVar aggregate classification (germline): Uncertain significance (1 of 4 stars; one submission).

Conditions:
Familial cold autoinflammatory syndrome 2 (FCAS2). Identifiers: Orphanet 247868, MedGen C2673198, MONDO:0012724, OMIM 611762.

Allele frequency attached by ClinVar (database versions not stated): gnomAD exomes below 0.00001; ExAC 0.00001.
gnomAD v4.1: 3 of 1,614,098 alleles (0.00019%); highest among the groups gnomAD compares: Middle Eastern, 0.016%; no homozygotes.

Submission:

Labcorp Genetics (formerly Invitae), Labcorp
Classification: Uncertain significance for Familial cold autoinflammatory syndrome 2. Last evaluated: 2022-08-23. Review status: criteria provided, single submitter. Criteria: Invitae Variant Classification Sherloc (09022015). Collection method: clinical testing. Allele origin: germline.
Comment: This sequence change replaces phenylalanine, which is neutral and non-polar, with cysteine, which is neutral and slightly polar, at codon 633 of the NLRP12 protein (p.Phe633Cys). This variant is present in population databases (rs763997556, gnomAD 0.0009%). This variant has not been reported in the literature in individuals affected with NLRP12-related conditions. ClinVar contains an entry for this variant (Variation ID: 1504651). Algorithms developed to predict the effect of missense changes on protein structure and function (SIFT, PolyPhen-2, Align-GVGD) all suggest that this variant is likely to be disruptive. In summary, the available evidence is currently insufficient to determine the role of this variant in disease. Therefore, it has been classified as a Variant of Uncertain Significance.

NM_144687.4(NLRP12):c.1898T>G (p.Phe633Cys)

Gene: NLRP12 (NLR family pyrin domain containing 12; minus strand). Cytogenetic location: 19q13.42.
Variant type: single nucleotide variant.
Coding change: c.1898T>G on transcript NM_144687.4 (MANE Select); coding-DNA position 1898, T replaced by G.
Protein change: p.Phe633Cys; replaces phenylalanine 633 with cysteine.
Molecular consequence: missense variant.
Genome position (GRCh38, 1-based): chr19:53,809,761, A>C on the plus strand (T>G on the coding strand, the complement: NLRP12 is on the minus strand). VCF-style: chr19-53809761-A-C. GRCh37 (hg19) VCF-style: chr19-54313015-A-C.
Other names: c.1898T>G, p.Phe633Cys (NM_001277126.2, NM_001277129.1); short protein forms F633C.
Identifiers: ClinVar variation 1504651 (VCV001504651.8), dbSNP rs763997556, ClinGen allele CA9639322.